The following is an entry in ClinVar:

ClinVar aggregate classification (germline): Uncertain significance (1 of 4 stars; one submission).

Conditions:
Inborn genetic diseases. Identifiers: MedGen C0950123, MeSH D030342.

Submission:

Ambry Genetics
Classification: Uncertain significance for Inborn genetic diseases. Last evaluated: 2023-09-04. Review status: criteria provided, single submitter. Criteria: Ambry Variant Classification Scheme 2023. Collection method: clinical testing. Allele origin: germline.
Comment: The p.E540V variant (also known as c.1619A>T), located in coding exon 12 of the ACD gene, results from an A to T substitution at nucleotide position 1619. The glutamic acid at codon 540 is replaced by valine, an amino acid with dissimilar properties. This amino acid position is conserved. In addition, this alteration is predicted to be tolerated by in silico analysis. Since supporting evidence is limited at this time, the clinical significance of this alteration remains unclear.

NM_001082486.2(ACD):c.1361A>T (p.Glu454Val)

Gene: ACD (ACD shelterin complex subunit and telomerase recruitment factor; minus strand). Cytogenetic location: 16q22.1.
Variant type: single nucleotide variant.
Coding change: c.1361A>T on transcript NM_001082486.2 (MANE Select); coding-DNA position 1361, A replaced by T.
Protein change: p.Glu454Val; replaces glutamic acid 454 with valine.
Molecular consequence: missense variant.
Genome position (GRCh38, 1-based): chr16:67,657,622, T>A on the plus strand (A>T on the coding strand, the complement: ACD is on the minus strand). VCF-style: chr16-67657622-T-A. GRCh37 (hg19) VCF-style: chr16-67691525-T-A.
Other names: c.1274A>T, p.Glu425Val (NM_001410884.1); c.1352A>T, p.Glu451Val (NM_022914.3); short protein forms E425V, E454V, E451V.
Identifiers: ClinVar variation 2624828 (VCV002624828.2), dbSNP rs2543595631, ClinGen allele CA396349534.